The following is an entry in ClinVar:

ClinVar aggregate classification (germline): Pathogenic. Review status: criteria provided, multiple submitters, no conflicts (2 of 4 stars). 2 submissions from 2 submitters: Pathogenic (2). Last evaluated 2026-08-19.

Conditions:
Retinitis pigmentosa 95. Identifiers: MedGen C5774244, MONDO:0859308, OMIM 620102.

Submissions (2):

Clinical Genetics and Genomics, Karolinska University Hospital
Classification: Pathogenic for Retinitis pigmentosa 95. Last evaluated: 2026-08-19. Review status: criteria provided, single submitter. Criteria: ACMG Guidelines, 2015. Collection method: clinical testing. Allele origin: germline. Inheritance: Autosomal recessive inheritance. Affected: yes.

Labcorp Genetics (formerly Invitae), Labcorp
Classification: Pathogenic. Last evaluated: 2025-07-14. Review status: criteria provided, single submitter. Criteria: Invitae Variant Classification Sherloc (09022015). Collection method: clinical testing. Allele origin: germline.
Comment: This variant results in the deletion of part of exon 2 (c.182_216+254del) of the RAX2 gene. While this variant is not anticipated to result in nonsense mediated decay, it likely alters RNA splicing and results in a disrupted protein product. This variant is not present in population databases (gnomAD no frequency). This variant has been observed in individual(s) with autosomal recessive retinitis pigmentosa (internal data). ClinVar contains an entry for this variant (Variation ID: 970393). Variants that disrupt the consensus splice site are a relatively common cause of aberrant splicing (PMID: 17576681, 9536098). This variant disrupts a region of the RAX2 protein in which other variant(s) (p.Arg79Gln) have been determined to be pathogenic (PMID: 34662339). This suggests that this is a clinically significant region of the protein, and that variants that disrupt it are likely to be disease-causing. For these reasons, this variant has been classified as Pathogenic.

Literature cited by the submitters: PubMed 17576681 (cited by Labcorp Genetics (formerly Invitae), Labcorp); PubMed 9536098 (cited by Labcorp Genetics (formerly Invitae), Labcorp); PubMed 34662339 (cited by Labcorp Genetics (formerly Invitae), Labcorp).

NM_001319074.4(RAX2):c.182_216+254del

Gene: RAX2 (retina and anterior neural fold homeobox 2; minus strand). Cytogenetic location: 19p13.3.
Variant type: Deletion.
Coding change: c.182_216+254del on transcript NM_001319074.4 (MANE Select); coding-DNA position 182 through 254 bases into the intron after coding-DNA position 216, 289 bases deleted.
Molecular consequence: splice donor variant.
Genome position (GRCh38, 1-based): chr19:3,771,273-3,771,561, 289 bases deleted. GRCh37 (hg19): chr19:3,771,273-3,771,561.
Other names: c.182_216+254del (NM_032753.4).
Identifiers: ClinVar variation 970393 (VCV000970393.8), dbSNP rs2037256715, ClinGen allele CA1139666189.